The following is an entry in ClinVar:

NM_032776.3(JMJD1C):c.2517C>A (p.His839Gln)

Gene: JMJD1C (jumonji domain containing 1C; minus strand). Cytogenetic location: 10q21.3.
Variant type: single nucleotide variant.
Coding change: c.2517C>A on transcript NM_032776.3 (MANE Select); coding-DNA position 2517, C replaced by A.
Protein change: p.His839Gln; replaces histidine 839 with glutamine.
Molecular consequence: missense variant. On other transcripts: non-coding transcript variant (1).
Genome position (GRCh38, 1-based): chr10:63,213,650, G>T on the plus strand (C>A on the coding strand, the complement: JMJD1C is on the minus strand). VCF-style: chr10-63213650-G-T. GRCh37 (hg19) VCF-style: chr10-64973410-G-T.
Other names: c.1971C>A, p.His657Gln (NM_001282948.2, NM_001318154.2); c.1653C>A, p.His551Gln (NM_001318153.2); c.2403C>A, p.His801Gln (NM_001322252.2); c.1860C>A, p.His620Gln (NM_001322254.2, NM_001322258.2); short protein forms H657Q, H620Q, H551Q, H801Q, H839Q.
Identifiers: ClinVar variation 2797501 (VCV002797501.3), dbSNP rs1312235864, ClinGen allele CA377044937.

ClinVar aggregate classification (germline): Uncertain significance (1 of 4 stars; one submission).

Conditions:
Early Myoclonic Encephalopathy. Identifiers: MedGen C0270855.

Submission:

Labcorp Genetics (formerly Invitae), Labcorp
Classification: Uncertain significance for Early Myoclonic Encephalopathy. Last evaluated: 2025-02-20. Review status: criteria provided, single submitter. Criteria: Invitae Variant Classification Sherloc (09022015). Collection method: clinical testing. Allele origin: germline.
Comment: This sequence change replaces histidine, which is basic and polar, with glutamine, which is neutral and polar, at codon 839 of the JMJD1C protein (p.His839Gln). This variant is present in population databases (no rsID available, gnomAD 0.0009%). This variant has not been reported in the literature in individuals affected with JMJD1C-related conditions. ClinVar contains an entry for this variant (Variation ID: 2797501). Invitae Evidence Modeling of protein sequence and biophysical properties (such as structural, functional, and spatial information, amino acid conservation, physicochemical variation, residue mobility, and thermodynamic stability) indicates that this missense variant is not expected to disrupt JMJD1C protein function with a negative predictive value of 80%. In summary, the available evidence is currently insufficient to determine the role of this variant in disease. Therefore, it has been classified as a Variant of Uncertain Significance.